The following is an entry in ClinVar:

ClinVar aggregate classification (germline): Uncertain significance. Review status: criteria provided, multiple submitters, no conflicts (2 of 4 stars). 4 submissions from 3 submitters: Uncertain significance (4). Last evaluated 2022-03-15.

Conditions:
Hereditary cancer-predisposing syndrome. Also called: Hereditary Cancer Syndrome; Neoplastic Syndromes, Hereditary; Tumor predisposition; Hereditary neoplastic syndrome. Identifiers: Orphanet 140162, MedGen C0027672, MeSH D009386, MONDO:0015356.
Cardiovascular phenotype. Identifiers: MedGen CN230736.
Neurofibromatosis, type 1 (NF1). Also called: Neurofibromatosis, type I; VON RECKLINGHAUSEN DISEASE; NEUROFIBROMATOSIS, TYPE I, SOMATIC; Peripheral type neurofibromatosis. Identifiers: Orphanet 636, MedGen C0027831, MONDO:0018975, OMIM 162200. Disease mechanism: loss of function.

Allele frequency attached by ClinVar (database versions not stated): gnomAD exomes below 0.00001.
gnomAD v4.1: 1 of 1,613,960 alleles (0.000062%); highest among the groups gnomAD compares: Non-Finnish European, 0.000085%; no homozygotes.

Submissions (4):

Genome-Nilou Lab
Classification: Uncertain significance for Neurofibromatosis, type 1. Last evaluated: 2022-03-15. Review status: criteria provided, single submitter. Criteria: ACMG Guidelines, 2015. Collection method: clinical testing. Allele origin: germline. Affected: no.

Ambry Genetics
Classification: Uncertain significance for Cardiovascular phenotype; Hereditary cancer-predisposing syndrome. Last evaluated: 2021-10-25. Review status: criteria provided, single submitter. Criteria: Ambry Variant Classification Scheme 2023. Collection method: clinical testing. Allele origin: germline.

Labcorp Genetics (formerly Invitae), Labcorp
Classification: Uncertain significance for Neurofibromatosis, type 1. Last evaluated: 2019-11-12. Review status: criteria provided, single submitter. Criteria: Invitae Variant Classification Sherloc (09022015). Collection method: clinical testing. Allele origin: germline.
Comment: In summary, the available evidence is currently insufficient to determine the role of this variant in disease. Therefore, it has been classified as a Variant of Uncertain Significance. Algorithms developed to predict the effect of sequence changes on RNA splicing suggest that this variant may create or strengthen a splice site, but this prediction has not been confirmed by published transcriptional studies. Algorithms developed to predict the effect of missense changes on protein structure and function are either unavailable or do not agree on the potential impact of this missense change (SIFT: "Deleterious"; PolyPhen-2: "Possibly Damaging"; Align-GVGD: "Class C0"). This variant has not been reported in the literature in individuals with NF1-related conditions. ClinVar contains an entry for this variant (Variation ID: 229892). This variant is not present in population databases (ExAC no frequency). This sequence change replaces methionine with valine at codon 2196 of the NF1 protein (p.Met2196Val). The methionine residue is moderately conserved and there is a small physicochemical difference between methionine and valine.

Ambry Genetics
Classification: Uncertain significance for Hereditary cancer-predisposing syndrome. Last evaluated: 2015-01-09. Review status: criteria provided, single submitter. Criteria: Ambry Autosomal Dominant and X-Linked criteria (10/2015). Collection method: clinical testing. Allele origin: germline. Observed: 1 variant allele.
Comment: The p.M2217V variant (also known as c.6649A>G and c.6586A>G), located in coding exon 44 of the NF1 gene, results from an A to G substitution at nucleotide position 6649. The methionine at codon 2217 is replaced by valine, an amino acid with highly similar properties. This variant was not reported in population based cohorts in the following databases: Database of Single Nucleotide Polymorphisms (dbSNP), NHLBI Exome Sequencing Project (ESP), and 1000 Genomes Project. In the ESP, this variant was not observed in 6501 samples (13002 alleles) with coverage at this position. To date, this alteration has been detected with an allele frequency of approximately 0.003% (greater than 30000alleles tested) in our clinical cohort.This amino acid position is highly conserved in available vertebrate species. In addition, the in silico prediction for this alteration is inconclusive. Since supporting evidence is limited at this time, the clinical significance of p.M2217V remains unclear.

NM_001042492.3(NF1):c.6649A>G (p.Met2217Val)

Gene: NF1 (neurofibromin 1; plus strand). Cytogenetic location: 17q11.2.
Variant type: single nucleotide variant.
Coding change: c.6649A>G on transcript NM_001042492.3 (MANE Select); coding-DNA position 6649, A replaced by G.
Protein change: p.Met2217Val; replaces methionine 2217 with valine.
Molecular consequence: missense variant.
Genome position (GRCh38, 1-based): chr17:31,337,825, A>G. VCF-style: chr17-31337825-A-G. GRCh37 (hg19) VCF-style: chr17-29664843-A-G.
Other names: c.6586A>G, p.Met2196Val (NM_000267.4); short protein forms M2196V, M2217V.
Identifiers: ClinVar variation 229892 (VCV000229892.12), dbSNP rs876658255, ClinGen allele CA10580383.
Genomic context (GRCh38, chr17:31,337,825, plus strand): 5'-ACAGTTCTAAAAACATTTATGTACAATATGTATTCAGAGTATCCCCTTTTTTAGGCATGC[A>G]TGAGAGATATTCCAACGTGCAAGTGGCTGGACCAGTGGACAGAACTAGCTCAAAGGTATG-3'
Protein context (NP_001035957.1, residues 2207-2227): EALLEIMEAC[Met2217Val]RDIPTCKWLD